The following is an entry in ClinVar:

NM_174916.3(UBR1):c.4571C>T (p.Pro1524Leu)

Gene: UBR1 (ubiquitin protein ligase E3 component n-recognin 1; minus strand). Cytogenetic location: 15q15.2.
Variant type: single nucleotide variant.
Coding change: c.4571C>T on transcript NM_174916.3 (MANE Select); coding-DNA position 4571, C replaced by T.
Protein change: p.Pro1524Leu; replaces proline 1524 with leucine.
Molecular consequence: missense variant.
Genome position (GRCh38, 1-based): chr15:42,966,173, G>A on the plus strand (C>T on the coding strand, the complement: UBR1 is on the minus strand). VCF-style: chr15-42966173-G-A. GRCh37 (hg19) VCF-style: chr15-43258371-G-A.
Other names: short protein forms P1524L.
Identifiers: ClinVar variation 2181308 (VCV002181308.2), dbSNP rs751148703, ClinGen allele CA7517851.

ClinVar aggregate classification (germline): Uncertain significance (1 of 4 stars; one submission).

Allele frequency attached by ClinVar (database versions not stated): gnomAD 0.00002; gnomAD exomes 0.00002; TOPMed 0.00003; ExAC 0.00005.
gnomAD v4.1: 40 of 1,613,932 alleles (0.0025%); highest among the groups gnomAD compares: African/African-American, 0.0067%; no homozygotes.

Submission:

Labcorp Genetics (formerly Invitae), Labcorp
Classification: Uncertain significance. Last evaluated: 2024-10-17. Review status: criteria provided, single submitter. Criteria: Invitae Variant Classification Sherloc (09022015). Collection method: clinical testing. Allele origin: germline.
Comment: This sequence change replaces proline, which is neutral and non-polar, with leucine, which is neutral and non-polar, at codon 1524 of the UBR1 protein (p.Pro1524Leu). This variant is present in population databases (rs751148703, gnomAD 0.004%). This variant has not been reported in the literature in individuals affected with UBR1-related conditions. ClinVar contains an entry for this variant (Variation ID: 2181308). Invitae Evidence Modeling of protein sequence and biophysical properties (such as structural, functional, and spatial information, amino acid conservation, physicochemical variation, residue mobility, and thermodynamic stability) indicates that this missense variant is expected to disrupt UBR1 protein function with a positive predictive value of 80%. In summary, the available evidence is currently insufficient to determine the role of this variant in disease. Therefore, it has been classified as a Variant of Uncertain Significance.